The following is an entry in ClinVar:

ClinVar aggregate classification (germline): Likely benign. Review status: criteria provided, multiple submitters, no conflicts (2 of 4 stars). 2 submissions from 2 submitters: Likely benign (2). Last evaluated 2026-01-06.

Conditions:
Bethlem myopathy 1A. Also called: MYOPATHY, BENIGN CONGENITAL, WITH CONTRACTURES; Bethlem Muscular Dystrophy; Bethlem myopathy 1. Identifiers: Orphanet 610, MedGen CN029274, MONDO:0024530, OMIM 158810.

Allele frequency attached by ClinVar (database versions not stated): ExAC 0.00001; gnomAD 0.00004 and 0.00005; TOPMed 0.00006; 1000 Genomes Project 30x 0.00016; 1000 Genomes Project 0.00020.
gnomAD v4.1: 36 of 1,605,154 alleles (0.0022%); highest among the groups gnomAD compares: Admixed American, 0.0085%; no homozygotes.

Submissions (2):

Labcorp Genetics (formerly Invitae), Labcorp
Classification: Likely benign for Bethlem myopathy 1A. Last evaluated: 2026-01-06. Review status: criteria provided, single submitter. Criteria: Invitae Variant Classification Sherloc (09022015). Collection method: clinical testing. Allele origin: germline.

GeneDx
Classification: Likely benign. Last evaluated: 2017-02-06. Review status: criteria provided, single submitter. Criteria: GeneDx Variant Classification (06012015). Collection method: clinical testing. Allele origin: germline. Affected: yes.
Comment: This variant is considered likely benign or benign based on one or more of the following criteria: it is a conservative change, it occurs at a poorly conserved position in the protein, it is predicted to be benign by multiple in silico algorithms, and/or has population frequency not consistent with disease.

NM_004369.4(COL6A3):c.6967-15C>T

Gene: COL6A3 (collagen type VI alpha 3 chain; minus strand). Cytogenetic location: 2q37.3.
Variant type: single nucleotide variant.
Coding change: c.6967-15C>T on transcript NM_004369.4 (MANE Select); 15 bases into the intron before coding-DNA position 6967, C replaced by T.
Molecular consequence: intron variant.
Genome position (GRCh38, 1-based): chr2:237,347,884, G>A on the plus strand (C>T on the coding strand, the complement: COL6A3 is on the minus strand). VCF-style: chr2-237347884-G-A. GRCh37 (hg19) VCF-style: chr2-238256527-G-A.
Other names: c.5146-15C>T (NM_057166.5); c.6349-15C>T (NM_057167.4).
Identifiers: ClinVar variation 383356 (VCV000383356.9), dbSNP rs112451272, ClinGen allele CA2187985.